The following is an entry in ClinVar:

NM_004281.4(BAG3):c.1193C>A (p.Pro398His)

Gene: BAG3 (BAG cochaperone 3; plus strand). Cytogenetic location: 10q26.11.
Variant type: single nucleotide variant.
Coding change: c.1193C>A on transcript NM_004281.4 (MANE Select); coding-DNA position 1193, C replaced by A.
Protein change: p.Pro398His; replaces proline 398 with histidine.
Molecular consequence: missense variant.
Genome position (GRCh38, 1-based): chr10:119,676,747, C>A. VCF-style: chr10-119676747-C-A. GRCh37 (hg19) VCF-style: chr10-121436259-C-A.
Other names: short protein forms P398H.
Identifiers: ClinVar variation 4690006 (VCV004690006.2).

ClinVar aggregate classification (germline): Uncertain significance. Review status: criteria provided, multiple submitters, no conflicts (2 of 4 stars). 2 submissions from 2 submitters: Uncertain significance (2). Last evaluated 2025-07-27.

Conditions:
Myofibrillar myopathy 6. Identifiers: Orphanet 199340, MedGen C2751831, MONDO:0013061, OMIM 612954.
Dilated cardiomyopathy 1HH (CMD1HH). Identifiers: Orphanet 154, MedGen C3151293, MONDO:0013479, OMIM 613881.

Submissions (2):

GeneDx
Classification: Uncertain significance. Last evaluated: 2025-07-27. Review status: criteria provided, single submitter. Criteria: GeneDx Variant Classification Process June 2021. Collection method: clinical testing. Allele origin: germline. Affected: yes.
Comment: Not observed at significant frequency in large population cohorts (gnomAD); In silico analysis suggests that this missense variant does not alter protein structure/function; Has not been previously published as pathogenic or benign to our knowledge; This variant is associated with the following publications: (PMID: 20001957)

Labcorp Genetics (formerly Invitae), Labcorp
Classification: Uncertain significance for Dilated cardiomyopathy 1HH; Myofibrillar myopathy 6. Last evaluated: 2025-06-07. Review status: criteria provided, single submitter. Criteria: Invitae Variant Classification Sherloc (09022015). Collection method: clinical testing. Allele origin: germline.
Comment: This sequence change replaces proline, which is neutral and non-polar, with histidine, which is basic and polar, at codon 398 of the BAG3 protein (p.Pro398His). This variant is not present in population databases (gnomAD no frequency). This variant has not been reported in the literature in individuals affected with BAG3-related conditions. Invitae Evidence Modeling of protein sequence and biophysical properties (such as structural, functional, and spatial information, amino acid conservation, physicochemical variation, residue mobility, and thermodynamic stability) has been performed for this missense variant. However, the output from this modeling did not meet the statistical confidence thresholds required to predict the impact of this variant on BAG3 protein function. In summary, the available evidence is currently insufficient to determine the role of this variant in disease. Therefore, it has been classified as a Variant of Uncertain Significance.